The following is an entry in ClinVar:

ClinVar aggregate classification (germline): Likely benign (1 of 4 stars; one submission).

Submission:

GeneDx
Classification: Likely benign. Last evaluated: 2016-08-12. Review status: criteria provided, single submitter. Criteria: GeneDx Variant Classification (06012015). Collection method: clinical testing. Allele origin: germline. Affected: yes.
Comment: This variant is considered likely benign or benign based on one or more of the following criteria: it is a conservative change, it occurs at a poorly conserved position in the protein, it is predicted to be benign by multiple in silico algorithms, and/or has population frequency not consistent with disease.

NM_001999.4(FBN2):c.4717+25_4717+28del

Gene: FBN2 (fibrillin 2; minus strand). Cytogenetic location: 5q23.3.
Variant type: Microsatellite.
Coding change: c.4717+25_4717+28del on transcript NM_001999.4 (MANE Select); bases 25 to 28 of the intron after coding-DNA position 4717, 4 bases deleted (CAAA; older notation c.4717+25_4717+28delCAAA).
Molecular consequence: intron variant.
Genome position (GRCh38, 1-based): chr5:128,318,121-128,318,124, TTTG deleted on the plus strand (CAAA on the coding strand, the reverse complement: FBN2 is on the minus strand); deleting any 4 consecutive bases within chr5:128,318,121-128,318,131 gives the same sequence; the c. name uses the placement nearest the transcript's 3' end. VCF-style (leftmost placement, unchanged base first): chr5-128318120-ATTTG-A. GRCh37 (hg19) VCF-style: chr5-127653812-ATTTG-A.
Other names: c.4717+25_4717+28delCAAA (NM_001999.3).
Identifiers: ClinVar variation 422003 (VCV000422003.1), dbSNP rs1064795498, ClinGen allele CA16618111.